The following is an entry in ClinVar:

NM_000023.4(SGCA):c.708G>C (p.Leu236Phe)

Gene: SGCA (sarcoglycan alpha; plus strand). Cytogenetic location: 17q21.33.
Variant type: single nucleotide variant.
Coding change: c.708G>C on transcript NM_000023.4 (MANE Select); coding-DNA position 708, G replaced by C.
Protein change: p.Leu236Phe; replaces leucine 236 with phenylalanine.
Molecular consequence: missense variant. On other transcripts: non-coding transcript variant (1), intron variant (1).
Genome position (GRCh38, 1-based): chr17:50,169,215, G>C. VCF-style: chr17-50169215-G-C. GRCh37 (hg19) VCF-style: chr17-48246576-G-C.
Other names: c.584+643G>C (NM_001135697.3); short protein forms L236F.
Identifiers: ClinVar variation 1370467 (VCV001370467.5), dbSNP rs1483510494, ClinGen allele CA400180907.
Genomic context (GRCh38, chr17:50,169,215, plus strand): 5'-CGATAGCCACGCCCGCTGTGCCCAGGGCCAGCCTCCACTTCTGTCTTGCTACGACACCTT[G>C]GCACCCCACTTCCGCGTTGACTGGTGCAATGTGACCCTGGTGAGGAGGGACCCTGGGTCC-3'
Protein context (NP_000014.1, residues 226-246): QPPLLSCYDT[Leu236Phe]APHFRVDWCN

ClinVar aggregate classification (germline): Uncertain significance (1 of 4 stars; one submission).

Conditions:
Autosomal recessive limb-girdle muscular dystrophy type 2D (LGMDR3). Also called: DUCHENNE-LIKE AUTOSOMAL RECESSIVE MUSCULAR DYSTROPHY, TYPE 2; ADHALINOPATHY, PRIMARY; MUSCULAR DYSTROPHY, LIMB-GIRDLE, AUTOSOMAL RECESSIVE 3. Identifiers: Orphanet 62, MedGen C2936332, MONDO:0011968, OMIM 608099. Disease mechanism: Affects gamma-sarcoglycan and also disrupts the integrity of the entire sarcoglycan complex..

Allele frequency attached by ClinVar (database versions not stated): gnomAD exomes below 0.00001 and 0.00003; TOPMed below 0.00001; gnomAD 0.00001.
gnomAD v4.1: 49 of 1,613,826 alleles (0.003%); highest among the groups gnomAD compares: Non-Finnish European, 0.0042%; no homozygotes.

Submission:

Labcorp Genetics (formerly Invitae), Labcorp
Classification: Uncertain significance for Autosomal recessive limb-girdle muscular dystrophy type 2D. Last evaluated: 2021-09-24. Review status: criteria provided, single submitter. Criteria: Invitae Variant Classification Sherloc (09022015). Collection method: clinical testing. Allele origin: germline.
Comment: This sequence change replaces leucine with phenylalanine at codon 236 of the SGCA protein (p.Leu236Phe). The leucine residue is moderately conserved and there is a small physicochemical difference between leucine and phenylalanine. This variant is not present in population databases (ExAC no frequency). This variant has not been reported in the literature in individuals with SGCA-related conditions. Advanced modeling of protein sequence and biophysical properties (such as structural, functional, and spatial information, amino acid conservation, physicochemical variation, residue mobility, and thermodynamic stability) performed at Invitae indicates that this missense variant is not expected to disrupt SGCA protein function. In summary, the available evidence is currently insufficient to determine the role of this variant in disease. Therefore, it has been classified as a Variant of Uncertain Significance.